The following is an entry in ClinVar:

ClinVar aggregate classification (germline): Pathogenic/Likely pathogenic. Review status: criteria provided, multiple submitters, no conflicts (2 of 4 stars). 4 submissions from 4 submitters: Pathogenic (2); Likely pathogenic (1). 1 of the submissions does not count toward it. Last evaluated 2024-06-20.

Conditions:
Neurodevelopmental disorder with facial dysmorphism, absent language, and pseudo-pelger-huet anomaly. Identifiers: Orphanet 698085, MedGen C5774232, MONDO:0859298, OMIM 620075.

Submissions (4):

3billion
Classification: Pathogenic for Neurodevelopmental disorder with facial dysmorphism, absent language, and pseudo-pelger-huet anomaly. Last evaluated: 2024-06-20. Review status: criteria provided, single submitter. Criteria: ACMG Guidelines, 2015. Collection method: clinical testing. Allele origin: germline. Affected: yes.
Comment: The variant is not observed in the gnomAD v4.0.0 dataset. Predicted Consequence/Location: The majority of the known disease-causing variants of this gene are variants expected to result in premature termination of the protein. Functional studies provide moderate evidence of the variant having a damaging effect on the gene or gene product (PMID: 36044892). In silico tool predictions suggest damaging effect of the variant on gene or gene product [3Cnet: 0.99 (>=0.6, sensitivity 0.72 and precision 0.9)]. The same nucleotide change resulting in the same amino acid change has been previously reported as pathogenic/likely pathogenic with strong evidence (ClinVar ID: VCV001708022 /PMID: 36044892). Therefore, this variant is classified as Pathogenic according to the recommendation of ACMG/AMP guideline.

Equipe Genetique des Anomalies du Developpement, Université de Bourgogne
Classification: Pathogenic for Neurodevelopmental disorder with facial dysmorphism, absent language, and pseudo-pelger-huet anomaly. Last evaluated: 2022-10-28. Review status: criteria provided, single submitter. Criteria: ACMG Guidelines, 2015. Collection method: clinical testing. Allele origin: biparental. Inheritance: Autosomal recessive inheritance. Affected: yes.

Sfax Medical Genetics Laboratory, Laboratoire Ksentini
Classification: Likely pathogenic for Neurodevelopmental disorder with facial dysmorphism, absent language, and pseudo-pelger-huet anomaly. Review status: criteria provided, single submitter. Criteria: ACMG Guidelines, 2015. Collection method: clinical testing. Allele origin: biparental. Inheritance: Autosomal recessive inheritance. Affected: yes. Observed: 1 homozygote.
Comment: The NM_032635.4:c.398T>A, p.(Ile133Asn) variant results in the substitution of isoleucine for asparagine at the AA position 133. This variant is absent in gnomAD v4.1.0 database (PM2). This variant has been reported in homozygous state in multiple individuals with TMEM147-related disorders, across five unrelated families, and was shown to segregate with the disease (PMID: 36044892) (PM3, PP1_strong). In silico predictions are conflicting regarding the effect of this variant on the protein (REVEL: 0.47, uncertain, SIFT: Deleterious, MetaLR: 0.27, Benign). This variant has been reported 1 time in ClinVar as pathogenic: (SCV002577321.2). In summary, this variant meets criteria to be classified as likely pathogenic: PM2, PM3, PP1_strong.

OMIM
Classification: Pathogenic for NEURODEVELOPMENTAL DISORDER WITH FACIAL DYSMORPHISM, ABSENT LANGUAGE, AND PSEUDO-PELGER-HUET ANOMALY. Last evaluated: 2022-10-18. Review status: no assertion criteria provided. Collection method: literature only. Allele origin: germline. Not counted in ClinVar's aggregate classification.

Literature cited by the submitters: PubMed 36044892 (cited by 4 submitters).

NM_032635.4(TMEM147):c.398T>A (p.Ile133Asn)

Gene: TMEM147 (transmembrane protein 147; plus strand). Cytogenetic location: 19q13.12.
Variant type: single nucleotide variant.
Coding change: c.398T>A on transcript NM_032635.4 (MANE Select); coding-DNA position 398, T replaced by A.
Protein change: p.Ile133Asn; replaces isoleucine 133 with asparagine.
Molecular consequence: missense variant. On other transcripts: intron variant (1).
Genome position (GRCh38, 1-based): chr19:35,546,998, T>A. VCF-style: chr19-35546998-T-A. GRCh37 (hg19) VCF-style: chr19-36037900-T-A.
Other names: c.251T>A, p.Ile84Asn (NM_001242597.2); c.398T>A, p.Ile133Asn (NM_006326.1); c.208-121T>A (NM_001242598.2); short protein forms I133N, I84N.
Identifiers: ClinVar variation 1708022 (VCV001708022.5), dbSNP rs371795896, ClinGen allele CA405365841.